The following is an entry in ClinVar:

ClinVar aggregate classification (germline): Benign/Likely benign. Review status: criteria provided, multiple submitters, no conflicts (2 of 4 stars). 3 submissions from 3 submitters: Benign (1); Likely benign (2). Last evaluated 2026-04-28.

Conditions:
Colorectal cancer, hereditary nonpolyposis, type 7. Identifiers: Orphanet 144, MedGen C1858380, MONDO:0013725, OMIM 614385.

Allele frequency attached by ClinVar (database versions not stated): TOPMed below 0.00001; gnomAD 0.00001; gnomAD exomes 0.00001; ExAC 0.00004.
gnomAD v4.1: 19 of 1,614,078 alleles (0.0012%); highest among the groups gnomAD compares: Non-Finnish European, 0.0015%; no homozygotes.

Submissions (3):

Myriad Genetics, Inc.
Classification: Benign for Colorectal cancer, hereditary nonpolyposis, type 7. Last evaluated: 2026-04-28. Review status: criteria provided, single submitter. Criteria: Myriad Autosomal Dominant, Autosomal Recessive and X-Linked Classification Criteria (2023). Collection method: clinical testing. Allele origin: unknown.
Comment: This variant is considered benign. This variant is a silent/synonymous amino acid change and it is not expected to impact splicing.

Center for Genomic Medicine, Rigshospitalet, Copenhagen University Hospital
Classification: Likely benign. Last evaluated: 2025-03-04. Review status: criteria provided, single submitter. Criteria: ACMG Guidelines, 2015. Collection method: clinical testing. Allele origin: germline.

Ambry Genetics
Classification: Likely benign. Last evaluated: 2023-04-28. Review status: criteria provided, single submitter. Criteria: Ambry Variant Classification Scheme 2023. Collection method: clinical testing. Allele origin: germline.

NM_001040108.2(MLH3):c.367C>T (p.Leu123=)

Gene: MLH3 (mutL homolog 3; minus strand). Cytogenetic location: 14q24.3.
Variant type: single nucleotide variant.
Coding change: c.367C>T on transcript NM_001040108.2 (MANE Select); coding-DNA position 367, C replaced by T.
Protein change: p.Leu123=; no amino-acid change (leucine 123 retained).
Molecular consequence: synonymous variant.
Genome position (GRCh38, 1-based): chr14:75,049,289, G>A on the plus strand (C>T on the coding strand, the complement: MLH3 is on the minus strand). VCF-style: chr14-75049289-G-A. GRCh37 (hg19) VCF-style: chr14-75515992-G-A.
Other names: c.367C>T, p.Leu123= (NM_014381.3).
Identifiers: ClinVar variation 1802863 (VCV001802863.8), dbSNP rs775193452, ClinGen allele CA7276043.
Genomic context (GRCh38, chr14:75,049,289, plus strand): 5'-CAGCGCTTGCTCTAGTCACATCAGCTTCACAAGCTTTCAGGGCTTTTCCACTCTGAAACA[G>A]TTTCACAAAAGTTTTCATTGTCCTGTTTTTCTTGGACGAAATTTCCACAGCACTGGCCAT-3'
Protein context (NP_001035197.1, residues 113-133): KNRTMKTFVK[Leu123=]FQSGKALKAC